The following is an entry in ClinVar:

ClinVar aggregate classification (germline): Likely pathogenic (1 of 4 stars; one submission).

Conditions:
Ullrich congenital muscular dystrophy 2 (UCMD2). Identifiers: Orphanet 75840, MedGen C4225314, MONDO:0014654, OMIM 616470.
Bethlem myopathy 2 (BTHLM2). Identifiers: Orphanet 536516, Orphanet 610, MedGen C4225313, MONDO:0034022, OMIM 616471.

Submission:

Labcorp Genetics (formerly Invitae), Labcorp
Classification: Likely pathogenic for Bethlem myopathy 2; Ullrich congenital muscular dystrophy 2. Last evaluated: 2023-07-08. Review status: criteria provided, single submitter. Criteria: Invitae Variant Classification Sherloc (09022015). Collection method: clinical testing. Allele origin: germline.
Comment: In summary, the currently available evidence indicates that the variant is pathogenic, but additional data are needed to prove that conclusively. Therefore, this variant has been classified as Likely Pathogenic. Algorithms developed to predict the effect of sequence changes on RNA splicing suggest that this variant may disrupt the consensus splice site. This variant has not been reported in the literature in individuals affected with COL12A1-related conditions. This variant is not present in population databases (gnomAD no frequency). This sequence change affects a donor splice site in intron 2 of the COL12A1 gene. It is expected to disrupt RNA splicing. Variants that disrupt the donor or acceptor splice site typically lead to a loss of protein function (PMID: 16199547), and loss-of-function variants in COL12A1 are known to be pathogenic (PMID: 24334604, 28973083).

Literature cited by the submitters: PubMed 16199547; PubMed 24334604; PubMed 28973083.

NM_004370.6(COL12A1):c.73+1G>A

Gene: COL12A1 (collagen type XII alpha 1 chain; minus strand). Cytogenetic location: 6q14.1.
Variant type: single nucleotide variant.
Coding change: c.73+1G>A on transcript NM_004370.6 (MANE Select); the canonical splice donor site of the intron after coding-DNA position 73, G replaced by A.
Molecular consequence: splice donor variant.
Genome position (GRCh38, 1-based): chr6:75,202,719, C>T on the plus strand (G>A on the coding strand, the complement: COL12A1 is on the minus strand). VCF-style: chr6-75202719-C-T. GRCh37 (hg19) VCF-style: chr6-75912435-C-T.
Other names: c.73+1G>A (NM_001424116.1, NM_080645.3, NM_001424115.1 and 2 more transcripts).
Identifiers: ClinVar variation 2949656 (VCV002949656.3), dbSNP rs2533666320, ClinGen allele CA364734049.